The following is an entry in ClinVar:

NM_003000.3(SDHB):c.190del (p.Asp64fs)

Gene: SDHB (succinate dehydrogenase complex iron sulfur subunit B; minus strand). Cytogenetic location: 1p36.13.
Variant type: Deletion.
Coding change: c.190del on transcript NM_003000.3 (MANE Select); coding-DNA position 190, one base deleted (G; older notation c.190delG).
Protein change: p.Asp64fs; shifts the reading frame from aspartic acid 64.
Molecular consequence: frameshift variant.
Genome position (GRCh38, 1-based): chr1:17,044,771, C deleted on the plus strand (G on the coding strand, the reverse complement: SDHB is on the minus strand). VCF-style (leftmost placement, unchanged base first): chr1-17044770-TC-T. GRCh37 (hg19) VCF-style: chr1-17371265-TC-T.
Other names: c.190delG (NM_003000.2); short protein forms D64fs.
Identifiers: ClinVar variation 468233 (VCV000468233.5), dbSNP rs1553178729, ClinGen allele CA658656890.

ClinVar aggregate classification (germline): Pathogenic (1 of 4 stars; one submission).

Conditions:
Pheochromocytoma. Also called: MAX-Related Hereditary Paraganglioma-Pheochromocytoma Syndrome. Identifiers: Orphanet 29072, MedGen C0031511, MONDO:0008233, OMIM 171300, HP:0002666.
Pheochromocytoma/paraganglioma syndrome 4. Also called: SDHB-Related Hereditary Paraganglioma-Pheochromocytoma Syndrome (Paragangliomas 4); CAROTID BODY TUMORS AND MULTIPLE EXTRAADRENAL PHEOCHROMOCYTOMAS; PARAGANGLIOMA, FAMILIAL MALIGNANT; PARAGANGLIOMAS, HEREDITARY EXTRAADRENAL; SDHB-Related Hereditary Paraganglioma-Pheochromocytoma Syndrome; PHEOCHROMOCYTOMA, FAMILIAL EXTRAADRENAL. Identifiers: Orphanet 29072, MedGen C1861848, MONDO:0007273, OMIM 115310.
Gastrointestinal stromal tumor. Also called: Gastrointestinal stroma tumor; Gastrointestinal stromal tumor, somatic. Identifiers: Orphanet 44890, MedGen C0238198, MeSH D046152, MONDO:0011719, OMIM 606764, HP:0100723.

Submission:

Labcorp Genetics (formerly Invitae), Labcorp
Classification: Pathogenic for Gastrointestinal stromal tumor; Pheochromocytoma/paraganglioma syndrome 4; Pheochromocytoma. Last evaluated: 2023-09-27. Review status: criteria provided, single submitter. Criteria: Invitae Variant Classification Sherloc (09022015). Collection method: clinical testing. Allele origin: germline.
Comment: For these reasons, this variant has been classified as Pathogenic. This sequence change creates a premature translational stop signal (p.Asp64Thrfs*13) in the SDHB gene. It is expected to result in an absent or disrupted protein product. Loss-of-function variants in SDHB are known to be pathogenic (PMID: 19454582, 19802898). This variant is not present in population databases (gnomAD no frequency). This premature translational stop signal has been observed in individual(s) with pheochromocytoma or paraganglioma (PMID: 23154831). ClinVar contains an entry for this variant (Variation ID: 468233).

Literature cited by the submitters: PubMed 19454582; PubMed 19802898; PubMed 23154831.